The following is an entry in ClinVar:

ClinVar aggregate classification (germline): Uncertain significance (1 of 4 stars; one submission).

Allele frequency attached by ClinVar (database versions not stated): TOPMed below 0.00001.
gnomAD v4.1: 7 of 1,614,226 alleles (0.00043%); highest among the groups gnomAD compares: Admixed American, 0.005%; no homozygotes.

Submission:

Labcorp Genetics (formerly Invitae), Labcorp
Classification: Uncertain significance. Last evaluated: 2024-06-03. Review status: criteria provided, single submitter. Criteria: Invitae Variant Classification Sherloc (09022015). Collection method: clinical testing. Allele origin: germline.
Comment: This sequence change replaces isoleucine, which is neutral and non-polar, with valine, which is neutral and non-polar, at codon 663 of the LETM1 protein (p.Ile663Val). This variant is not present in population databases (gnomAD no frequency). This variant has not been reported in the literature in individuals affected with LETM1-related conditions. ClinVar contains an entry for this variant (Variation ID: 1916623). An algorithm developed to predict the effect of missense changes on protein structure and function (PolyPhen-2) suggests that this variant is likely to be tolerated. In summary, the available evidence is currently insufficient to determine the role of this variant in disease. Therefore, it has been classified as a Variant of Uncertain Significance.

NM_012318.3(LETM1):c.1987A>G (p.Ile663Val)

Gene: LETM1 (leucine zipper and EF-hand containing transmembrane protein 1; minus strand). Cytogenetic location: 4p16.3.
Variant type: single nucleotide variant.
Coding change: c.1987A>G on transcript NM_012318.3 (MANE Select); coding-DNA position 1987, A replaced by G.
Protein change: p.Ile663Val; replaces isoleucine 663 with valine.
Molecular consequence: missense variant.
Genome position (GRCh38, 1-based): chr4:1,815,747, T>C on the plus strand (A>G on the coding strand, the complement: LETM1 is on the minus strand). VCF-style: chr4-1815747-T-C. GRCh37 (hg19) VCF-style: chr4-1817474-T-C.
Other names: short protein forms I663V.
Identifiers: ClinVar variation 1916623 (VCV001916623.5), dbSNP rs776015992, ClinGen allele CA355994045.